The following is an entry in ClinVar:

NM_032447.5(FBN3):c.5399G>A (p.Gly1800Asp)

Gene: FBN3 (fibrillin 3; minus strand). Cytogenetic location: 19p13.2.
Variant type: single nucleotide variant.
Coding change: c.5399G>A on transcript NM_032447.5 (MANE Select); coding-DNA position 5399, G replaced by A.
Protein change: p.Gly1800Asp; replaces glycine 1800 with aspartic acid.
Molecular consequence: missense variant.
Genome position (GRCh38, 1-based): chr19:8,096,895, C>T on the plus strand (G>A on the coding strand, the complement: FBN3 is on the minus strand). VCF-style: chr19-8096895-C-T. GRCh37 (hg19) VCF-style: chr19-8161779-C-T.
Other names: c.5399G>A, p.Gly1800Asp (NM_001321431.2); short protein forms G1800D.
Identifiers: ClinVar variation 4702103 (VCV004702103.1).

ClinVar aggregate classification (germline): Uncertain significance (1 of 4 stars; one submission).

gnomAD v4.1: 8 of 1,613,518 alleles (0.0005%); highest among the groups gnomAD compares: Middle Eastern, 0.017%; no homozygotes.

Submission:

Labcorp Genetics (formerly Invitae), Labcorp
Classification: Uncertain significance. Last evaluated: 2025-12-13. Review status: criteria provided, single submitter. Criteria: Invitae Variant Classification Sherloc (09022015). Collection method: clinical testing. Allele origin: germline.
Comment: This sequence change replaces glycine, which is neutral and non-polar, with aspartic acid, which is acidic and polar, at codon 1800 of the FBN3 protein (p.Gly1800Asp). The frequency data for this variant in the population databases is considered unreliable, as metrics indicate poor data quality at this position in the gnomAD database. This variant has not been reported in the literature in individuals affected with FBN3-related conditions. Invitae Evidence Modeling of protein sequence and biophysical properties (such as structural, functional, and spatial information, amino acid conservation, physicochemical variation, residue mobility, and thermodynamic stability) indicates that this missense variant is not expected to disrupt FBN3 protein function with a negative predictive value of 80%. In summary, the available evidence is currently insufficient to determine the role of this variant in disease. Therefore, it has been classified as a Variant of Uncertain Significance.